The following is an entry in ClinVar:

ClinVar aggregate classification (germline): Pathogenic. Review status: criteria provided, multiple submitters, no conflicts (2 of 4 stars). 4 submissions from 4 submitters: Pathogenic (3). 1 of the submissions does not count toward it. Last evaluated 2025-07-30.

Conditions:
COL11A2-related disorder. Also called: COL11A2-related condition; COL11A2-related disorders.
Otospondylomegaepiphyseal dysplasia, autosomal dominant (OSMEDA). Also called: Stickler syndrome, type 3; COL11A2-Related Stickler Syndrome; Pierre Robin syndrome with fetal chondrodysplasia. Identifiers: Orphanet 166100, Orphanet 3450, MedGen C1848488, MONDO:0008490, OMIM 184840.

Allele frequency attached by ClinVar (database versions not stated): gnomAD exomes 0.00001 and below 0.00001; ExAC 0.00001.
gnomAD v4.1: 4 of 1,613,316 alleles (0.00025%); highest among the groups gnomAD compares: South Asian, 0.0011%; no homozygotes.

Submissions (4):

3billion
Classification: Pathogenic for COL11A2-related disorder. Last evaluated: 2025-07-30. Review status: criteria provided, single submitter. Criteria: ACMG Guidelines, 2015. Collection method: clinical testing. Allele origin: germline. Affected: yes.
Comment: The variant is observed at an extremely low frequency in the gnomAD v4.1.0 dataset (total allele frequency: <0.001%). Predicted Consequence/Location: Canonical splice site: predicted to alter splicing and result in a loss or disruption of normal protein function. Multiple pathogenic loss-of-function variants are reported downstream of the variant. In silico tools predict the variant to alter splicing and produce an abnormal transcript [SpliceAI: 0.88 (spliceogenicity >=0.2, non-spliceogenicity <0.1)]. The variant has been reported at least twice as pathogenic with clinical assertions and evidence for the classification (ClinVar ID: VCV000017120 /PMID: 7859284). Therefore, this variant is classified as Pathogenic according to the recommendation of ACMG/AMP guideline.

GeneDx
Classification: Pathogenic. Last evaluated: 2025-06-10. Review status: criteria provided, single submitter. Criteria: GeneDx Variant Classification Process June 2021. Collection method: clinical testing. Allele origin: germline. Affected: yes.
Comment: Canonical splice site variant predicted to result in an in-frame loss of the adjacent exon in a gene for which loss of function is a known mechanism of disease; Not observed at significant frequency in large population cohorts (gnomAD); This variant is associated with the following publications: (PMID: 25525159, 33348901, 33297549, 7859284, 36307859, 37079061, 7833911)

Labcorp Genetics (formerly Invitae), Labcorp
Classification: Pathogenic. Last evaluated: 2025-01-13. Review status: criteria provided, single submitter. Criteria: Invitae Variant Classification Sherloc (09022015). Collection method: clinical testing. Allele origin: germline.
Comment: This sequence change affects a donor splice site in intron 60 of the COL11A2 gene. RNA analysis indicates that disruption of this splice site induces altered splicing and likely results in a shortened protein product. This variant is present in population databases (rs750995470, gnomAD 0.003%). Disruption of this splice site has been observed in individual(s) with Stickler syndrome (PMID: 7859284, 33297549, 33348901). It has also been observed to segregate with disease in related individuals. ClinVar contains an entry for this variant (Variation ID: 17120). Studies have shown that disruption of this splice site results in skipping of exon 60, but is expected to preserve the integrity of the reading-frame (PMID: 33348901). For these reasons, this variant has been classified as Pathogenic.

OMIM
Classification: Pathogenic for OTOSPONDYLOMEGAEPIPHYSEAL DYSPLASIA, AUTOSOMAL DOMINANT. Last evaluated: 1995-02-10. Review status: no assertion criteria provided. Collection method: literature only. Allele origin: germline. Not counted in ClinVar's aggregate classification.

Literature cited by the submitters: PubMed 7859284 (cited by 3 submitters); PubMed 33297549 (cited by Labcorp Genetics (formerly Invitae), Labcorp); PubMed 33348901 (cited by Labcorp Genetics (formerly Invitae), Labcorp); PubMed 7833911 (cited by OMIM).

NM_080680.3(COL11A2):c.4392+1G>A

Gene: COL11A2 (collagen type XI alpha 2 chain; minus strand). Cytogenetic location: 6p21.32.
Variant type: single nucleotide variant.
Coding change: c.4392+1G>A on transcript NM_080680.3 (MANE Select); the canonical splice donor site of the intron after coding-DNA position 4392, G replaced by A.
Molecular consequence: splice donor variant.
Genome position (GRCh38, 1-based): chr6:33,166,512, C>T on the plus strand (G>A on the coding strand, the complement: COL11A2 is on the minus strand). VCF-style: chr6-33166512-C-T. GRCh37 (hg19) VCF-style: chr6-33134289-C-T.
Other names: IVSDS, G-A, +1; c.4071+1G>A (NM_080679.3); c.4134+1G>A (NM_080681.3).
Identifiers: ClinVar variation 17120 (VCV000017120.12), dbSNP rs750995470, ClinGen allele CA281687.